The following is an entry in ClinVar:

NM_000487.6(ARSA):c.991G>A (p.Glu331Lys)

Gene: ARSA (arylsulfatase A; minus strand). Cytogenetic location: 22q13.33.
Variant type: single nucleotide variant.
Coding change: c.991G>A on transcript NM_000487.6 (MANE Select); coding-DNA position 991, G replaced by A.
Protein change: p.Glu331Lys; replaces glutamic acid 331 with lysine.
Molecular consequence: missense variant.
Genome position (GRCh38, 1-based): chr22:50,626,052, C>T on the plus strand (G>A on the coding strand, the complement: ARSA is on the minus strand). VCF-style: chr22-50626052-C-T. GRCh37 (hg19) VCF-style: chr22-51064480-C-T.
Other names: c.991G>A, p.Glu331Lys (NM_001085425.3, NM_001085426.3, NM_001085427.3); c.733G>A, p.Glu245Lys (NM_001085428.3, NM_001362782.2); short protein forms E331K, E245K.
Identifiers: ClinVar variation 556001 (VCV000556001.14), dbSNP rs398123419, ClinGen allele CA412172524.
Genomic context (GRCh38, chr22:50,626,052, plus strand): 5'-GCAGTGGGGCCCCAGCCAGGGCTGCCAGGGTAGGCAGCAGGTCCAGGGAGCTGGCCAGCT[C>T]GTGGGTCACGCCTGGGGGCAGGAGGCTGGTCAGTCACTCAGTTCGCCATCAAGGTTGGGG-3'
Protein context (NP_000478.3, residues 321-341): PGHIAPGVTH[Glu331Lys]LASSLDLLPT

ClinVar aggregate classification (germline): Conflicting classifications of pathogenicity. Review status: criteria provided, conflicting classifications (1 of 4 stars). 7 submissions from 7 submitters: Pathogenic (1); Likely pathogenic (2); Uncertain significance (3). 1 of the submissions does not count toward it. Last evaluated 2026-04-10.

Conditions:
Inborn genetic diseases. Identifiers: MedGen C0950123, MeSH D030342.
Metachromatic leukodystrophy (MLD). Also called: Cerebral sclerosis diffuse metachromatic form; ARSA DEFICIENCY; CEREBROSIDE SULFATASE DEFICIENCY; Arylsulfatase A Deficiency; METACHROMATIC LEUKOENCEPHALOPATHY; SULFATIDE LIPIDOSIS. Identifiers: Orphanet 512, MedGen C0023522, MONDO:0018868, OMIM 250100.

Allele frequency attached by ClinVar (database versions not stated): gnomAD exomes below 0.00001 and 0.00001; gnomAD 0.00002; TOPMed 0.00002.

Submissions (7):

Myriad Genetics, Inc.
Classification: Uncertain significance for Metachromatic leukodystrophy. Last evaluated: 2026-04-10. Review status: criteria provided, single submitter. Criteria: Myriad Autosomal Dominant, Autosomal Recessive and X-Linked Classification Criteria (2023). Collection method: clinical testing. Allele origin: unknown.
Comment: NM_000487.5(ARSA):c.991G>A(E331K) is a missense variant classified as a variant of uncertain significance in the context of metachromatic leukodystrophy. E331K has been observed in cases with relevant disease (PMID: 12809637, 30052522). Relevant functional assessments of this variant are not available in the literature. E331K has been observed in referenced population frequency databases. In summary, there is insufficient evidence to classify NM_000487.5(ARSA):c.991G>A(E331K) as pathogenic or benign. Please note: this variant was assessed in the context of healthy population screening.

Natera, Inc.
Classification: Likely pathogenic for Metachromatic leukodystrophy. Last evaluated: 2026-01-14. Review status: criteria provided, single submitter. Criteria: Natera Variant Classification Schema (03/2026). Collection method: clinical testing. Allele origin: germline.
Comment: The c.991G>A variant in ARSA is a missense variant predicted to cause substitution of glutamic acid to lysine at amino acid 331. This variant is rare in the general population with a frequency below the threshold expected for the associated phenotype(s). This variant has been observed in one or more individuals affected with the associated recessive disease, as either homozygous or compound heterozygous with a second variant (PMID: 30052522, 12809637). Additionally, this variant has been observed to segregate in affected family members (PMID: 30052522, 12809637). This variant has been identified in one or more affected individual with a phenotype highly consistent with the associated gene (PMID: 30052522, 12809637). Computational prediction algorithms indicate this variant is likely to affect gene or protein function. Given the available evidence, this variant is classified as Likely Pathogenic.

Labcorp Genetics (formerly Invitae), Labcorp
Classification: Pathogenic for Metachromatic leukodystrophy. Last evaluated: 2025-12-17. Review status: criteria provided, single submitter. Criteria: Invitae Variant Classification Sherloc (09022015). Collection method: clinical testing. Allele origin: germline.
Comment: This sequence change replaces glutamic acid, which is acidic and polar, with lysine, which is basic and polar, at codon 331 of the ARSA protein (p.Glu331Lys). The frequency data for this variant in the population databases is considered unreliable, as metrics indicate poor data quality at this position in the gnomAD database. This missense change has been observed in individual(s) with metachromatic leukodystrophy (PMID: 12809637, 30052522). It has also been observed to segregate with disease in related individuals. ClinVar contains an entry for this variant (Variation ID: 556001). Invitae Evidence Modeling of protein sequence and biophysical properties (such as structural, functional, and spatial information, amino acid conservation, physicochemical variation, residue mobility, and thermodynamic stability) indicates that this missense variant is expected to disrupt ARSA protein function with a positive predictive value of 95%. For these reasons, this variant has been classified as Pathogenic.

Women's Health and Genetics/Laboratory Corporation of America, LabCorp
Classification: Likely pathogenic for Metachromatic leukodystrophy. Last evaluated: 2025-06-24. Review status: criteria provided, single submitter. Criteria: LabCorp Variant Classification Summary - May 2015. Collection method: clinical testing. Allele origin: germline.
Comment: Variant summary: ARSA c.991G>A (p.Glu331Lys) results in a conservative amino acid change in the encoded protein sequence. Algorithms developed to predict the effect of missense changes on protein structure and function are either unavailable or do not agree on the potential impact of this missense change. The variant allele was found at a frequency of 4.7e-06 in 212420 control chromosomes (gnomAD). The variant, c.991G>A (initially erroneously reported as E329R) has been observed on the background of the frequent pseudodeficiency allele in a patient, who was one of two affected siblings with late infantile MLD (Metachromatic Leukodystrophy), in presumed compound heterozygosity with a (likely) pathogenic variant in trans (Rafi_2003). In addition, it was also reported on the background of the frequent pseudodeficiency allele in 2 homozygous siblings with a milder, juvenile form of MLD, who both had low-normal levels of ARSA enzyme activity (Aslan_2018, cited in Elgun_2013). These data indicate that the variant is likely to be associated with disease. To our knowledge, no experimental evidence demonstrating an impact on protein function has been reported. The following publications have been ascertained in the context of this evaluation (PMID: 12809637, 30052522, 31186049). ClinVar contains an entry for this variant (Variation ID: 556001). Based on the evidence outlined above, the variant was classified as likely pathogenic.

Ambry Genetics
Classification: Uncertain significance for Inborn genetic diseases. Last evaluated: 2022-07-24. Review status: criteria provided, single submitter. Criteria: Ambry Variant Classification Scheme 2023. Collection method: clinical testing. Allele origin: germline.

Fulgent Genetics
Classification: Uncertain significance for Metachromatic leukodystrophy. Last evaluated: 2018-10-31. Review status: criteria provided, single submitter. Criteria: ACMG Guidelines, 2015. Collection method: clinical testing. Allele origin: unknown.

Counsyl
Classification: Uncertain significance for Metachromatic leukodystrophy. Last evaluated: 2018-01-05. Review status: no assertion criteria provided. Collection method: clinical testing. Allele origin: unknown. Not counted in ClinVar's aggregate classification.

Literature cited by the submitters: PubMed 12809637 (cited by 6 submitters); PubMed 30052522 (cited by 5 submitters); PubMed 31186049 (cited by Women's Health and Genetics/Laboratory Corporation of America, LabCorp).